The following is an entry in ClinVar:

ClinVar aggregate classification (germline): Uncertain significance (1 of 4 stars; one submission).

Conditions:
Fanconi anemia complementation group O. Also called: RAD51C-Related Fanconi Anemia. Identifiers: Orphanet 84, MedGen C3150653, MONDO:0013248, OMIM 613390.

Submission:

Labcorp Genetics (formerly Invitae), Labcorp
Classification: Uncertain significance for Fanconi anemia complementation group O. Last evaluated: 2023-06-14. Review status: criteria provided, single submitter. Criteria: Invitae Variant Classification Sherloc (09022015). Collection method: clinical testing. Allele origin: germline.
Comment: In summary, the available evidence is currently insufficient to determine the role of this variant in disease. Therefore, it has been classified as a Variant of Uncertain Significance. Advanced modeling of protein sequence and biophysical properties (such as structural, functional, and spatial information, amino acid conservation, physicochemical variation, residue mobility, and thermodynamic stability) performed at Invitae indicates that this missense variant is not expected to disrupt RAD51C protein function. This variant has not been reported in the literature in individuals affected with RAD51C-related conditions. This variant is not present in population databases (gnomAD no frequency). This sequence change replaces alanine, which is neutral and non-polar, with valine, which is neutral and non-polar, at codon 309 of the RAD51C protein (p.Ala309Val).

NM_058216.3(RAD51C):c.926C>T (p.Ala309Val)

Gene: RAD51C (RAD51 paralog C; plus strand). Cytogenetic location: 17q22.
Variant type: single nucleotide variant.
Coding change: c.926C>T on transcript NM_058216.3 (MANE Select); coding-DNA position 926, C replaced by T.
Protein change: p.Ala309Val; replaces alanine 309 with valine.
Molecular consequence: missense variant. On other transcripts: non-coding transcript variant (1).
Genome position (GRCh38, 1-based): chr17:58,724,061, C>T. VCF-style: chr17-58724061-C-T. GRCh37 (hg19) VCF-style: chr17-56801422-C-T.
Other names: c.*354C>T (NM_058217.1); short protein forms A309V.
Identifiers: ClinVar variation 2715423 (VCV002715423.3), dbSNP rs2143961927, ClinGen allele CA400361377.